The following is an entry in ClinVar:

ClinVar aggregate classification (germline): Uncertain significance (1 of 4 stars; one submission).

Submission:

CeGaT Center for Human Genetics Tuebingen
Classification: Uncertain significance. Last evaluated: 2024-07-01. Review status: criteria provided, single submitter. Criteria: CeGaT Center For Human Genetics Tuebingen Variant Classification Criteria Version 2. Collection method: clinical testing. Allele origin: germline. Affected: yes. Observed: 1 variant allele.
Comment: BMP6: PM2

NM_001718.6(BMP6):c.634_635delinsAT (p.Ala212Met)

Gene: BMP6 (bone morphogenetic protein 6; plus strand). Cytogenetic location: 6p24.3.
Variant type: Indel.
Coding change: c.634_635delinsAT on transcript NM_001718.6 (MANE Select); coding-DNA positions 634 to 635, GC replaced by AT.
Protein change: p.Ala212Met; replaces alanine 212 with methionine.
Molecular consequence: missense variant.
Genome position (GRCh38, 1-based): chr6:7,727,589-7,727,590, GC replaced by AT. VCF-style: chr6-7727589-GC-AT. GRCh37 (hg19) VCF-style: chr6-7727822-GC-AT.
Other names: short protein forms A212M.
Identifiers: ClinVar variation 3257569 (VCV003257569.17).